The following is an entry in ClinVar:

NM_014915.3(ANKRD26):c.1715C>T (p.Ala572Val)

Gene: ANKRD26 (ankyrin repeat domain 26; minus strand). Cytogenetic location: 10p12.1.
Variant type: single nucleotide variant.
Coding change: c.1715C>T on transcript NM_014915.3 (MANE Select); coding-DNA position 1715, C replaced by T.
Protein change: p.Ala572Val; replaces alanine 572 with valine.
Molecular consequence: missense variant.
Genome position (GRCh38, 1-based): chr10:27,048,900, G>A on the plus strand (C>T on the coding strand, the complement: ANKRD26 is on the minus strand). VCF-style: chr10-27048900-G-A. GRCh37 (hg19) VCF-style: chr10-27337829-G-A.
Other names: c.1715C>T, p.Ala572Val (NM_001256053.2); short protein forms A572V.
Identifiers: ClinVar variation 4579753 (VCV004579753.1).

ClinVar aggregate classification (germline): Uncertain significance (1 of 4 stars; one submission).

Conditions:
Inborn genetic diseases. Identifiers: MedGen C0950123, MeSH D030342.

Submission:

Ambry Genetics
Classification: Uncertain significance for Inborn genetic diseases. Last evaluated: 2025-11-01. Review status: criteria provided, single submitter. Criteria: Ambry Variant Classification Scheme 2023. Collection method: clinical testing. Allele origin: germline.
Comment: The p.A572V variant (also known as c.1715C>T), located in coding exon 17 of the ANKRD26 gene, results from a C to T substitution at nucleotide position 1715. The alanine at codon 572 is replaced by valine, an amino acid with similar properties. This amino acid position is conserved. In addition, this alteration is predicted to be tolerated by in silico analysis. Based on the available evidence, the clinical significance of this variant remains unclear.